The following is an entry in ClinVar:

ClinVar aggregate classification (germline): Uncertain significance. Review status: criteria provided, multiple submitters, no conflicts (2 of 4 stars). 2 submissions from 2 submitters: Uncertain significance (2). Last evaluated 2024-11-18.

Conditions:
Hereditary cancer-predisposing syndrome. Also called: Tumor predisposition; Hereditary Cancer Syndrome; Neoplastic Syndromes, Hereditary; Hereditary neoplastic syndrome. Identifiers: Orphanet 140162, MedGen C0027672, MeSH D009386, MONDO:0015356.
Neuroblastoma, susceptibility to, 3. Also called: ALK-Related Neuroblastic Tumor Susceptibility. Identifiers: Orphanet 635, MedGen C2751681, MONDO:0013083, OMIM 613014.

Submissions (2):

Labcorp Genetics (formerly Invitae), Labcorp
Classification: Uncertain significance for Neuroblastoma, susceptibility to, 3. Last evaluated: 2024-11-18. Review status: criteria provided, single submitter. Criteria: Invitae Variant Classification Sherloc (09022015). Collection method: clinical testing. Allele origin: germline.
Comment: This sequence change replaces proline, which is neutral and non-polar, with leucine, which is neutral and non-polar, at codon 1370 of the ALK protein (p.Pro1370Leu). This variant is not present in population databases (gnomAD no frequency). This variant has not been reported in the literature in individuals affected with ALK-related conditions. ClinVar contains an entry for this variant (Variation ID: 1018947). An algorithm developed to predict the effect of missense changes on protein structure and function (PolyPhen-2) suggests that this variant is likely to be disruptive. In summary, the available evidence is currently insufficient to determine the role of this variant in disease. Therefore, it has been classified as a Variant of Uncertain Significance.

Ambry Genetics
Classification: Uncertain significance for Hereditary cancer-predisposing syndrome. Last evaluated: 2019-09-04. Review status: criteria provided, single submitter. Criteria: Ambry Variant Classification Scheme 2023. Collection method: clinical testing. Allele origin: germline.
Comment: The p.P1370L variant (also known as c.4109C>T), located in coding exon 28 of the ALK gene, results from a C to T substitution at nucleotide position 4109. The proline at codon 1370 is replaced by leucine, an amino acid with similar properties. This amino acid position is highly conserved in available vertebrate species. In addition, this alteration is predicted to be deleterious by in silico analysis. Since supporting evidence is limited at this time, the clinical significance of this alteration remains unclear.

NM_004304.5(ALK):c.4109C>T (p.Pro1370Leu)

Gene: ALK (ALK receptor tyrosine kinase; minus strand). Cytogenetic location: 2p23.2.
Variant type: single nucleotide variant.
Coding change: c.4109C>T on transcript NM_004304.5 (MANE Select); coding-DNA position 4109, C replaced by T.
Protein change: p.Pro1370Leu; replaces proline 1370 with leucine.
Molecular consequence: missense variant.
Genome position (GRCh38, 1-based): chr2:29,196,825, G>A on the plus strand (C>T on the coding strand, the complement: ALK is on the minus strand). VCF-style: chr2-29196825-G-A. GRCh37 (hg19) VCF-style: chr2-29419691-G-A.
Other names: c.905C>T, p.Pro302Leu (NM_001353765.2); short protein forms P1370L, P302L.
Identifiers: ClinVar variation 1018947 (VCV001018947.11), dbSNP rs748027591, ClinGen allele CA346465218.